The following is an entry in ClinVar:

ClinVar aggregate classification (germline): Uncertain significance (1 of 4 stars; one submission).

Conditions:
Hereditary cancer-predisposing syndrome. Also called: Neoplastic Syndromes, Hereditary; Hereditary Cancer Syndrome; Tumor predisposition; Hereditary neoplastic syndrome. Identifiers: Orphanet 140162, MedGen C0027672, MeSH D009386, MONDO:0015356.

Submission:

Ambry Genetics
Classification: Uncertain significance for Hereditary cancer-predisposing syndrome. Last evaluated: 2025-02-19. Review status: criteria provided, single submitter. Criteria: Ambry Variant Classification Scheme 2023. Collection method: clinical testing. Allele origin: germline.
Comment: The p.N813Y variant (also known as c.2437A>T), located in coding exon 15 of the ATM gene, results from an A to T substitution at nucleotide position 2437. The asparagine at codon 813 is replaced by tyrosine, an amino acid with dissimilar properties. This amino acid position is conserved. In addition, the in silico prediction for this alteration is inconclusive. Based on the available evidence, the clinical significance of this variant remains unclear.

NM_000051.4(ATM):c.2437A>T (p.Asn813Tyr)

Gene: ATM (ATM serine/threonine kinase; plus strand). Cytogenetic location: 11q22.3.
Variant type: single nucleotide variant.
Coding change: c.2437A>T on transcript NM_000051.4 (MANE Select); coding-DNA position 2437, A replaced by T.
Protein change: p.Asn813Tyr; replaces asparagine 813 with tyrosine.
Molecular consequence: missense variant.
Genome position (GRCh38, 1-based): chr11:108,259,046, A>T. VCF-style: chr11-108259046-A-T. GRCh37 (hg19) VCF-style: chr11-108129773-A-T.
Other names: c.2437A>T, p.Asn813Tyr (NM_001351834.2); short protein forms N813Y.
Identifiers: ClinVar variation 3802839 (VCV003802839.1).
Genomic context (GRCh38, chr11:108,259,046, plus strand): 5'-AAGAGTCCAAATAAGATTGCATCTGGCTTTTTCCTGCGATTGTTAACATCAAAGCTAATG[A>T]ATGACATTGCAGATATTTGTAAAAGTTTAGTAAGTATGCTTCCTGTTTTGCTATCATATT-3'
Protein context (NP_000042.3, residues 803-823): FLRLLTSKLM[Asn813Tyr]DIADICKSLA